The following is an entry in ClinVar:

ClinVar aggregate classification (germline): Benign/Likely benign. Review status: criteria provided, multiple submitters, no conflicts (2 of 4 stars). 5 submissions from 5 submitters: Benign (1); Likely benign (4). Last evaluated 2026-06-23.

Conditions:
Hereditary cancer-predisposing syndrome. Also called: Neoplastic Syndromes, Hereditary; Tumor predisposition; Hereditary Cancer Syndrome; Hereditary neoplastic syndrome. Identifiers: Orphanet 140162, MedGen C0027672, MeSH D009386, MONDO:0015356.
Retinoblastoma (RB1). Also called: RETINOBLASTOMA, SOMATIC. Identifiers: Orphanet 790, MedGen C0035335, MeSH D012175, MONDO:0008380, OMIM 180200, HP:0009919. Disease mechanism: loss of function. Inheritance: Both sporadic and heritable forms are tested..

Allele frequency attached by ClinVar (database versions not stated): gnomAD exomes below 0.00001; TOPMed 0.00001.
gnomAD v4.1: 6 of 1,452,434 alleles (0.00041%); highest among the groups gnomAD compares: Non-Finnish European, 0.00027%; no homozygotes.

Submissions (5):

Myriad Genetics, Inc.
Classification: Benign for Retinoblastoma. Last evaluated: 2026-06-23. Review status: criteria provided, single submitter. Criteria: Myriad Autosomal Dominant, Autosomal Recessive and X-Linked Classification Criteria (2023). Collection method: clinical testing. Allele origin: unknown.
Comment: This variant is considered benign. This variant is a silent/synonymous amino acid change and it is not expected to impact splicing.

CeGaT Center for Human Genetics Tuebingen
Classification: Likely benign. Last evaluated: 2026-01-01. Review status: criteria provided, single submitter. Criteria: CeGaT Center For Human Genetics Tuebingen Variant Classification Criteria Version 2. Collection method: clinical testing. Allele origin: germline. Affected: yes. Observed: 1 variant allele.
Comment: RB1: BP4, BP7

Labcorp Genetics (formerly Invitae), Labcorp
Classification: Likely benign for Retinoblastoma. Last evaluated: 2025-12-28. Review status: criteria provided, single submitter. Criteria: Invitae Variant Classification Sherloc (09022015). Collection method: clinical testing. Allele origin: germline.

All of Us Research Program, National Institutes of Health
Classification: Likely benign for Retinoblastoma. Last evaluated: 2023-10-23. Review status: criteria provided, single submitter. Criteria: ACMG Guidelines, 2015. Collection method: clinical testing. Allele origin: germline. Inheritance: Autosomal dominant inheritance. Observed: 2 variant alleles, 2 heterozygotes.
Comment: This study involves interpretation of variants in research participants for the purpose of population health screening. Participant phenotype was not available at the time of variant classification. Additional details can be found in publication PMID: 35346344, PMCID: PMC8962531

Ambry Genetics
Classification: Likely benign for Hereditary cancer-predisposing syndrome. Last evaluated: 2018-10-05. Review status: criteria provided, single submitter. Criteria: Ambry Variant Classification Scheme 2023. Collection method: clinical testing. Allele origin: germline.

Literature cited by the submitters: PubMed 28803391 (cited by Ambry Genetics).

NM_000321.3(RB1):c.129T>A (p.Pro43=)

Gene: RB1 (RB transcriptional corepressor 1; plus strand). Cytogenetic location: 13q14.2.
Variant type: single nucleotide variant.
Coding change: c.129T>A on transcript NM_000321.3 (MANE Select); coding-DNA position 129, T replaced by A.
Protein change: p.Pro43=; no amino-acid change (proline 43 retained).
Molecular consequence: synonymous variant.
Genome position (GRCh38, 1-based): chr13:48,304,041, T>A. VCF-style: chr13-48304041-T-A. GRCh37 (hg19) VCF-style: chr13-48878177-T-A.
Identifiers: ClinVar variation 711239 (VCV000711239.19), dbSNP rs1304775415, ClinGen allele CA483711658.